The following is an entry in ClinVar:

ClinVar aggregate classification (germline): Uncertain significance (1 of 4 stars; one submission).

Conditions:
Cardiovascular phenotype. Identifiers: MedGen CN230736.
Hereditary cancer-predisposing syndrome. Also called: Hereditary neoplastic syndrome; Neoplastic Syndromes, Hereditary; Tumor predisposition; Hereditary Cancer Syndrome. Identifiers: Orphanet 140162, MedGen C0027672, MeSH D009386, MONDO:0015356.

Submission:

Ambry Genetics
Classification: Uncertain significance for Cardiovascular phenotype; Hereditary cancer-predisposing syndrome. Last evaluated: 2025-08-23. Review status: criteria provided, single submitter. Criteria: Ambry Variant Classification Scheme 2023. Collection method: clinical testing. Allele origin: germline.
Comment: The p.L611R variant (also known as c.1832T>G), located in coding exon 16 of the NF1 gene, results from a T to G substitution at nucleotide position 1832. The leucine at codon 611 is replaced by arginine, an amino acid with dissimilar properties. This amino acid position is conserved. In addition, the in silico prediction for this alteration is inconclusive. Based on the available evidence, the clinical significance of this variant remains unclear.

NM_001042492.3(NF1):c.1832T>G (p.Leu611Arg)

Gene: NF1 (neurofibromin 1; plus strand). Cytogenetic location: 17q11.2.
Variant type: single nucleotide variant.
Coding change: c.1832T>G on transcript NM_001042492.3 (MANE Select); coding-DNA position 1832, T replaced by G.
Protein change: p.Leu611Arg; replaces leucine 611 with arginine.
Molecular consequence: missense variant.
Genome position (GRCh38, 1-based): chr17:31,223,554, T>G. VCF-style: chr17-31223554-T-G. GRCh37 (hg19) VCF-style: chr17-29550572-T-G.
Other names: c.1832T>G, p.Leu611Arg (NM_000267.4); short protein forms L611R.
Identifiers: ClinVar variation 4119161 (VCV004119161.1).